The following is an entry in ClinVar:

ClinVar aggregate classification (germline): Uncertain significance (1 of 4 stars; one submission).

Conditions:
Ehlers-Danlos syndrome, classic type, 1 (EDSCL1). Also called: EHLERS-DANLOS SYNDROME, GRAVIS TYPE; EHLERS-DANLOS SYNDROME, SEVERE CLASSIC TYPE; Ehlers-Danlos syndrome, type 1; Ehlers-Danlos Syndrome, Classic Type, COL5A1-Related; EDS I. Identifiers: MedGen C0268335, MONDO:0019567, OMIM 130000.

Submission:

Labcorp Genetics (formerly Invitae), Labcorp
Classification: Uncertain significance for Ehlers-Danlos syndrome, classic type, 1. Last evaluated: 2023-08-04. Review status: criteria provided, single submitter. Criteria: Invitae Variant Classification Sherloc (09022015). Collection method: clinical testing. Allele origin: germline.
Comment: This variant has not been reported in the literature in individuals affected with COL5A1-related conditions. ClinVar contains an entry for this variant (Variation ID: 1435668). Experimental studies and prediction algorithms are not available or were not evaluated, and the functional significance of this variant is currently unknown. This variant disrupts the triple helix domain of COL5A1. Glycine residues within the Gly-Xaa-Yaa repeats of the triple helix domain are required for the structure and stability of fibrillar collagens (PMID: 7695699, 8218237, 19344236), and variants at these glycine residues in COL5A1 are more frequently observed in individuals with disease than in the general population (PMID: 22696272, 23587214). However, the clinical significance of this observation remains uncertain since only a limited number of affected individuals have been described to date. In summary, the available evidence is currently insufficient to determine the role of this variant in disease. Therefore, it has been classified as a Variant of Uncertain Significance. This sequence change replaces glycine, which is neutral and non-polar, with leucine, which is neutral and non-polar, at codon 892 of the COL5A1 protein (p.Gly892Leu). This variant is present in population databases (no rsID available, gnomAD 0.0004%).

Literature cited by the submitters: PubMed 7695699; PubMed 8218237; PubMed 19344236; PubMed 22696272; PubMed 23587214.

NM_000093.5(COL5A1):c.2674_2675delinsCT (p.Gly892Leu)

Gene: COL5A1 (collagen type V alpha 1 chain; plus strand). Cytogenetic location: 9q34.3.
Variant type: Indel.
Coding change: c.2674_2675delinsCT on transcript NM_000093.5 (MANE Select); coding-DNA positions 2674 to 2675, GG replaced by CT.
Protein change: p.Gly892Leu; replaces glycine 892 with leucine.
Molecular consequence: missense variant.
Genome position (GRCh38, 1-based): chr9:134,789,182-134,789,183, GG replaced by CT. VCF-style: chr9-134789182-GG-CT. GRCh37 (hg19) VCF-style: chr9-137681028-GG-CT.
Other names: c.2674_2675delinsCT, p.Gly892Leu (NM_001278074.1); short protein forms G892L.
Identifiers: ClinVar variation 1435668 (VCV001435668.6), dbSNP rs2132784450, ClinGen allele CA2573144139.